The following is an entry in ClinVar:

NM_170606.3(KMT2C):c.6653A>C (p.Tyr2218Ser)

Gene: KMT2C (lysine methyltransferase 2C; minus strand). Cytogenetic location: 7q36.1.
Variant type: single nucleotide variant.
Coding change: c.6653A>C on transcript NM_170606.3 (MANE Select); coding-DNA position 6653, A replaced by C.
Protein change: p.Tyr2218Ser; replaces tyrosine 2218 with serine.
Molecular consequence: missense variant.
Genome position (GRCh38, 1-based): chr7:152,181,207, T>G on the plus strand (A>C on the coding strand, the complement: KMT2C is on the minus strand). VCF-style: chr7-152181207-T-G. GRCh37 (hg19) VCF-style: chr7-151878292-T-G.
Other names: c.6653A>C (NM_170606.2); short protein forms Y2218S.
Identifiers: ClinVar variation 1170675 (VCV001170675.14), dbSNP rs61730540, ClinGen allele CA4580038.

ClinVar aggregate classification (germline): Benign/Likely benign. Review status: criteria provided, multiple submitters, no conflicts (2 of 4 stars). 4 submissions from 4 submitters: Benign (2); Likely benign (1). 1 of the submissions does not count toward it. Last evaluated 2026-04-01.

Conditions:
KMT2C-related disorder. Also called: KMT2C-related disorders; KMT2C-related condition.

Allele frequency attached by ClinVar (database versions not stated): gnomAD exomes 0.00017 and 0.00044; ExAC 0.00060; gnomAD 0.00165 and 0.00181; TOPMed 0.00186; ESP Exome Variant Server 0.00215; 1000 Genomes Project 0.00260; 1000 Genomes Project 30x 0.00312.
gnomAD v4.1: 514 of 1,613,848 alleles (0.032%); highest among the groups gnomAD compares: African/African-American, 0.61%; 5 homozygotes.

Submissions (4):

CeGaT Center for Human Genetics Tuebingen
Classification: Likely benign. Last evaluated: 2026-04-01. Review status: criteria provided, single submitter. Criteria: CeGaT Center For Human Genetics Tuebingen Variant Classification Criteria Version 2. Collection method: clinical testing. Allele origin: germline. Affected: yes. Observed: 1 variant allele.
Comment: KMT2C: BS1

Labcorp Genetics (formerly Invitae), Labcorp
Classification: Benign. Last evaluated: 2026-01-19. Review status: criteria provided, single submitter. Criteria: Invitae Variant Classification Sherloc (09022015). Collection method: clinical testing. Allele origin: germline.

Breakthrough Genomics
Classification: Benign. Review status: criteria provided, single submitter. Criteria: ACMG Guidelines, 2015. Collection method: not provided. Allele origin: germline. Inheritance: Autosomal dominant inheritance. Affected: yes.

PreventionGenetics, part of Exact Sciences
Classification: Benign for KMT2C-related condition. Last evaluated: 2022-07-27. Review status: no assertion criteria provided. Collection method: clinical testing. Allele origin: germline. Not counted in ClinVar's aggregate classification.
Comment: This variant is classified as benign based on ACMG/AMP sequence variant interpretation guidelines (Richards et al. 2015 PMID: 25741868, with internal and published modifications).